The following is an entry in ClinVar:

ClinVar aggregate classification (germline): Likely pathogenic (1 of 4 stars; one submission).

Conditions:
COL2A1-related disorder. Also called: COL2A1-related condition; COL2A1-related disorders.

gnomAD v4.1: 2 of 1,604,706 alleles (0.00012%); highest among the groups gnomAD compares: African/African-American, 0.0027%; no homozygotes.

Submission:

PreventionGenetics, part of Exact Sciences
Classification: Likely pathogenic for COL2A1-related condition. Last evaluated: 2025-12-15. Review status: criteria provided, single submitter. Criteria: ACMG Guidelines, 2015. Collection method: clinical testing. Allele origin: germline.
Comment: The COL2A1 c.3327+2T>C variant is predicted to disrupt the GT donor site and interfere with normal splicing. To our knowledge, this variant has not been reported in the literature or in a large population database (gnomAD), indicating this variant is rare. Variants that disrupt the consensus splice donor site in COL2A1 are expected to be pathogenic. This variant is interpreted as likely pathogenic.

NM_001844.5(COL2A1):c.3327+2T>C

Gene: COL2A1 (collagen type II alpha 1 chain; minus strand). Cytogenetic location: 12q13.11.
Variant type: single nucleotide variant.
Coding change: c.3327+2T>C on transcript NM_001844.5 (MANE Select); the canonical splice donor site of the intron after coding-DNA position 3327, T replaced by C.
Molecular consequence: splice donor variant.
Genome position (GRCh38, 1-based): chr12:47,977,100, A>G on the plus strand (T>C on the coding strand, the complement: COL2A1 is on the minus strand). VCF-style: chr12-47977100-A-G. GRCh37 (hg19) VCF-style: chr12-48370883-A-G.
Other names: c.3120+2T>C (NM_033150.3).
Identifiers: ClinVar variation 4992028 (VCV004992028.1).